The following is an entry in ClinVar:

NM_002878.4(RAD51D):c.183C>A (p.Phe61Leu)

Genes: RAD51L3-RFFL (RAD51L3-RFFL readthrough; minus strand), RAD51D (RAD51 paralog D; minus strand). Cytogenetic location: 17q12.
Variant type: single nucleotide variant.
Coding change: c.183C>A on transcript NM_002878.4 (MANE Select); coding-DNA position 183, C replaced by A.
Protein change: p.Phe61Leu; replaces phenylalanine 61 with leucine.
Molecular consequence: missense variant. On other transcripts: intron variant (2).
Genome position (GRCh38, 1-based): chr17:35,118,581, G>T on the plus strand (C>A on the coding strand, the complement: RAD51D is on the minus strand). VCF-style: chr17-35118581-G-T. GRCh37 (hg19) VCF-style: chr17-33445600-G-T.
Other names: c.144+530C>A (NM_133629.3, NM_001142571.2); short protein forms F61L.
Identifiers: ClinVar variation 1474572 (VCV001474572.8), dbSNP rs1185842552, ClinGen allele CA399091468.

ClinVar aggregate classification (germline): Uncertain significance (1 of 4 stars; one submission).

Conditions:
Breast-ovarian cancer, familial, susceptibility to, 4. Identifiers: Orphanet 145, MedGen C3280345, MONDO:0013669, OMIM 614291.

gnomAD v4.1: 1 of 1,614,186 alleles (0.000062%); highest among the groups gnomAD compares: Non-Finnish European, 0.000085%; no homozygotes.

Submission:

Labcorp Genetics (formerly Invitae), Labcorp
Classification: Uncertain significance for Breast-ovarian cancer, familial, susceptibility to, 4. Last evaluated: 2021-03-23. Review status: criteria provided, single submitter. Criteria: Invitae Variant Classification Sherloc (09022015). Collection method: clinical testing. Allele origin: germline.
Comment: In summary, the available evidence is currently insufficient to determine the role of this variant in disease. Therefore, it has been classified as a Variant of Uncertain Significance. Algorithms developed to predict the effect of missense changes on protein structure and function (SIFT, PolyPhen-2, Align-GVGD) all suggest that this variant is likely to be tolerated, but these predictions have not been confirmed by published functional studies and their clinical significance is uncertain. This variant has not been reported in the literature in individuals with RAD51D-related conditions. This variant is not present in population databases (ExAC no frequency). This sequence change replaces phenylalanine with leucine at codon 61 of the RAD51D protein (p.Phe61Leu). The phenylalanine residue is weakly conserved and there is a small physicochemical difference between phenylalanine and leucine.